The following is an entry in ClinVar:

NM_031443.4(CCM2):c.745+1G>C

Gene: CCM2 (CCM2 scaffold protein; plus strand). Cytogenetic location: 7p13.
Variant type: single nucleotide variant.
Coding change: c.745+1G>C on transcript NM_031443.4 (MANE Select); the canonical splice donor site of the intron after coding-DNA position 745, G replaced by C.
Molecular consequence: splice donor variant. On other transcripts: intron variant (1).
Genome position (GRCh38, 1-based): chr7:45,069,962, G>C. VCF-style: chr7-45069962-G-C. GRCh37 (hg19) VCF-style: chr7-45109561-G-C.
Other names: c.745+1G>C (NM_001363458.2); c.473-2764G>C (NM_001167935.2); c.571+1G>C (NM_001363459.2, NM_001167934.2); c.808+1G>C (NM_001029835.2).
Identifiers: ClinVar variation 650894 (VCV000650894.9), dbSNP rs1583984070, ClinGen allele CA367430783.

ClinVar aggregate classification (germline): Pathogenic (1 of 4 stars; one submission).

Conditions:
Cerebral cavernous malformation 2. Also called: Familial Cerebral Cavernous Malformation 2. Identifiers: Orphanet 221061, MedGen C1864041, MONDO:0011304, OMIM 603284.

Allele frequency attached by ClinVar (database versions not stated): gnomAD exomes below 0.00001.
gnomAD v4.1: 2 of 1,613,758 alleles (0.00012%); highest among the groups gnomAD compares: Non-Finnish European, 0.00017%; no homozygotes.

Submission:

Labcorp Genetics (formerly Invitae), Labcorp
Classification: Pathogenic for Cerebral cavernous malformation 2. Last evaluated: 2018-09-10. Review status: criteria provided, single submitter. Criteria: Invitae Variant Classification Sherloc (09022015). Collection method: clinical testing. Allele origin: germline.
Comment: For these reasons, this variant has been classified as Pathogenic. Donor and acceptor splice site variants typically lead to a loss of protein function (PMID: 16199547), and loss-of-function variants in CCM2 are known to be pathogenic (PMID: 14624391, 17160895). This variant is not present in population databases (ExAC no frequency). This sequence change affects a donor splice site in intron 6 of the CCM2 gene. It is expected to disrupt RNA splicing and likely results in an absent or disrupted protein product.

Literature cited by the submitters: PubMed 16199547; PubMed 14624391; PubMed 17160895.